The following is an entry in ClinVar:

ClinVar aggregate classification (germline): Uncertain significance (1 of 4 stars; one submission).

Conditions:
Pyruvate dehydrogenase E1-alpha deficiency (PDHAD). Also called: Ataxia, intermittent, with pyruvate dehydrogenase, or decarboxylase, deficiency; ATAXIA, INTERMITTENT, WITH PYRUVATE DEHYDROGENASE DEFICIENCY; ATAXIA WITH LACTIC ACIDOSIS I; ATAXIA, INTERMITTENT, WITH ABNORMAL PYRUVATE METABOLISM. Identifiers: Orphanet 79243, MedGen C1839413, MONDO:0010717, OMIM 312170.

gnomAD v4.1: 1 of 1,206,734 alleles (0.000083%); no homozygotes.

Submission:

Victorian Clinical Genetics Services, Murdoch Childrens Research Institute
Classification: Uncertain significance for Pyruvate dehydrogenase E1-alpha deficiency. Last evaluated: 2025-12-03. Review status: criteria provided, single submitter. Criteria: ACMG Guidelines, 2015. Collection method: clinical testing. Allele origin: germline. Affected: yes.
Comment: This variant is classified as VUS-3A. Evidence in support of pathogenic classification: Variant is present in gnomAD <0.001 for a dominant condition (v4: 1 heterozygote(s), 0 homozygote(s), 0 hemizygote(s)); This variant has limited previous evidence of pathogenicity in an unrelated individual(s). Missense variant predicted to be damaging by in silico tool(s) or highly conserved with a major amino acid change. Additional information: Variant is predicted to result in a missense amino acid change from Cys to Arg; This variant is hemizygous; This gene is associated with X-linked dominant disease. Affected males have been reported with variants shown to cause partial enzyme deficiency, however, variants causing a severe enzyme deficiency are presumed to be embryonically lethal (PMID: 22142326); No published evidence of segregation with disease has been identified for this variant; No published functional evidence has been identified for this variant; No comparable missense variants have previous evidence for pathogenicity; Variant is not located in an established domain, motif, hotspot or informative constraint region; Loss of function is a known mechanism of disease in this gene and is associated with pyruvate dehydrogenase E1-alpha deficiency (MIM#312170); Variants in this gene are known to have variable expressivity. Depending on the residual enzymatic activity, the severity of phenotypic presentation can vary. Additionally, the severity in females is dependent on X-chromosome inactivation patterns (OMIM, PMID: 22142326); Inheritance information for this variant is not currently available in this individual.

Literature cited by the submitters: PubMed 22142326; PubMed 27896082.

NM_000284.4(PDHA1):c.121T>C (p.Cys41Arg)

Gene: PDHA1 (pyruvate dehydrogenase E1 subunit alpha 1; plus strand). Cytogenetic location: Xp22.12.
Variant type: single nucleotide variant.
Coding change: c.121T>C on transcript NM_000284.4 (MANE Select); coding-DNA position 121, T replaced by C.
Protein change: p.Cys41Arg; replaces cysteine 41 with arginine.
Molecular consequence: missense variant.
Genome position (GRCh38, 1-based): chrX:19,349,940, T>C. VCF-style: chrX-19349940-T-C. GRCh37 (hg19) VCF-style: chrX-19368058-T-C.
Other names: c.235T>C, p.Cys79Arg (NM_001173454.2); c.121T>C, p.Cys41Arg (NM_001173455.2, NM_001173456.2); short protein forms C41R, C79R.
Identifiers: ClinVar variation 4819044 (VCV004819044.1).